The following is an entry in ClinVar:

ClinVar aggregate classification (germline): Pathogenic (1 of 4 stars; one submission).

Submission:

Labcorp Genetics (formerly Invitae), Labcorp
Classification: Pathogenic. Last evaluated: 2022-08-19. Review status: criteria provided, single submitter. Criteria: Invitae Variant Classification Sherloc (09022015). Collection method: clinical testing. Allele origin: germline.
Comment: This sequence change creates a premature translational stop signal (p.Gln4643Tyrfs*36) in the USH2A gene. It is expected to result in an absent or disrupted protein product. Loss-of-function variants in USH2A are known to be pathogenic (PMID: 10729113, 10909849, 20507924, 25649381). This variant is not present in population databases (gnomAD no frequency). This variant has not been reported in the literature in individuals affected with USH2A-related conditions. For these reasons, this variant has been classified as Pathogenic.

Literature cited by the submitters: PubMed 10729113; PubMed 10909849; PubMed 20507924; PubMed 25649381.

NM_206933.4(USH2A):c.13925_13926dup (p.Gln4643fs)

Gene: USH2A (usherin; minus strand). Cytogenetic location: 1q41.
Variant type: Duplication.
Coding change: c.13925_13926dup on transcript NM_206933.4 (MANE Select); coding-DNA positions 13925 to 13926, 2 bases duplicated (TA; older notation c.13925_13926dupTA).
Protein change: p.Gln4643fs; shifts the reading frame from glutamine 4643.
Molecular consequence: frameshift variant.
Genome position (GRCh38, 1-based): chr1:215,671,179-215,671,180, TA duplicated on the plus strand (TA on the coding strand, the reverse complement: USH2A is on the minus strand). VCF-style (leftmost placement, unchanged base first): chr1-215671178-G-GTA. GRCh37 (hg19) VCF-style: chr1-215844520-G-GTA.
Other names: short protein forms Q4643fs.
Identifiers: ClinVar variation 2024864 (VCV002024864.4), dbSNP rs2464881098, ClinGen allele CA2580062060.